The following is an entry in ClinVar:

NM_004415.4(DSP):c.764A>T (p.Tyr255Phe)

Gene: DSP (desmoplakin; plus strand). Cytogenetic location: 6p24.3.
Variant type: single nucleotide variant.
Coding change: c.764A>T on transcript NM_004415.4 (MANE Select); coding-DNA position 764, A replaced by T.
Protein change: p.Tyr255Phe; replaces tyrosine 255 with phenylalanine.
Molecular consequence: missense variant.
Genome position (GRCh38, 1-based): chr6:7,563,773, A>T. VCF-style: chr6-7563773-A-T. GRCh37 (hg19) VCF-style: chr6-7564006-A-T.
Other names: c.764A>T (LRG_423t1, NM_004415.3); c.764A>T, p.Tyr255Phe (NM_001008844.3, NM_001319034.2); short protein forms Y255F.
Identifiers: ClinVar variation 653941 (VCV000653941.18), dbSNP rs1490279963, ClinGen allele CA362673737.

ClinVar aggregate classification (germline): Uncertain significance. Review status: criteria provided, multiple submitters, no conflicts (2 of 4 stars). 8 submissions from 8 submitters: Uncertain significance (8). Last evaluated 2026-09-11.

Conditions:
DSP-related disorder. Also called: DSP-related condition; DSP-related disorders.
Cardiovascular phenotype. Identifiers: MedGen CN230736.
Cardiomyopathy (CMYO). Also called: Cardiomyopathies. Identifiers: Orphanet 167848, MedGen C0878544, MONDO:0004994, HP:0001638. Inheritance: Various modes of inheritance.
Arrhythmogenic right ventricular dysplasia 8 (ARVD8). Also called: Arrhythmogenic Right Ventricular Dysplasia/Cardiomyopathy 8; ARRHYTHMOGENIC RIGHT VENTRICULAR CARDIOMYOPATHY 8; ARRHYTHMOGENIC RIGHT VENTRICULAR DYSPLASIA, FAMILIAL, 8. Identifiers: MedGen C1843896, MONDO:0011831, OMIM 607450.
Arrhythmogenic cardiomyopathy with wooly hair and keratoderma. Also called: Arrhythmogenic cardiomyopathy with woolly hair and keratoderma; Carvajal syndrome; PALMOPLANTAR KERATODERMA WITH LEFT VENTRICULAR CARDIOMYOPATHY AND WOOLLY HAIR; Dilated cardiomyopathy with woolly hair and keratoderma. Identifiers: Orphanet 65282, MedGen C1854063, MONDO:0011581, OMIM 605676.

Allele frequency attached by ClinVar (database versions not stated): TOPMed below 0.00001; gnomAD 0.00001; gnomAD exomes 0.00002.
gnomAD v4.1: 24 of 1,613,666 alleles (0.0015%); highest among the groups gnomAD compares: Non-Finnish European, 0.0019%; no homozygotes.

Submissions (8):

GeneDx
Classification: Uncertain significance. Last evaluated: 2026-09-11. Review status: criteria provided, single submitter. Criteria: GeneDx Variant Classification Process June 2021. Collection method: clinical testing. Allele origin: germline.
Comment: Reported in a patient with HCM, though additional patient-specific data were not described (PMID: 25351510); Not observed at significant frequency in large population cohorts (gnomAD); In silico analysis supports that this missense variant has a deleterious effect on protein structure/function; This variant is associated with the following publications: (PMID: 25351510)

Women's Health and Genetics/Laboratory Corporation of America, LabCorp
Classification: Uncertain significance. Last evaluated: 2026-05-18. Review status: criteria provided, single submitter. Criteria: LabCorp Variant Classification Summary - May 2015. Collection method: clinical testing. Allele origin: germline.

Labcorp Genetics (formerly Invitae), Labcorp
Classification: Uncertain significance for Arrhythmogenic cardiomyopathy with wooly hair and keratoderma; Arrhythmogenic right ventricular dysplasia 8. Last evaluated: 2025-12-13. Review status: criteria provided, single submitter. Criteria: Invitae Variant Classification Sherloc (09022015). Collection method: clinical testing. Allele origin: germline.
Comment: This sequence change replaces tyrosine, which is neutral and polar, with phenylalanine, which is neutral and non-polar, at codon 255 of the DSP protein (p.Tyr255Phe). This variant is present in population databases (no rsID available, gnomAD 0.007%). This variant has not been reported in the literature in individuals affected with DSP-related conditions. ClinVar contains an entry for this variant (Variation ID: 653941). An algorithm developed to predict the effect of missense changes on protein structure and function (PolyPhen-2) suggests that this variant is likely to be disruptive. In summary, the available evidence is currently insufficient to determine the role of this variant in disease. Therefore, it has been classified as a Variant of Uncertain Significance.

PreventionGenetics, part of Exact Sciences
Classification: Uncertain significance for DSP-related condition. Last evaluated: 2025-08-27. Review status: criteria provided, single submitter. Criteria: ACMG Guidelines, 2015. Collection method: clinical testing. Allele origin: germline.
Comment: The DSP c.764A>T variant is predicted to result in the amino acid substitution p.Tyr255Phe. This variant has been reported in a cohort study of individuals with hypertrophic cardiomyopathy; however, no detailed case-level information was available (Supplementary table 1, Lopes et al. 2014. PubMed ID: 25351510). This variant is reported in 0.0065% of alleles in individuals of European (Non-Finnish) descent in gnomAD. At this time, the clinical significance of this variant is uncertain due to the absence of conclusive functional and genetic evidence.

All of Us Research Program, National Institutes of Health
Classification: Uncertain significance for Arrhythmogenic cardiomyopathy with wooly hair and keratoderma. Last evaluated: 2024-06-17. Review status: criteria provided, single submitter. Criteria: ACMG Guidelines, 2015. Collection method: clinical testing. Allele origin: germline. Inheritance: Autosomal dominant inheritance. Observed: 7 variant alleles, 7 heterozygotes.
Comment: This missense variant replaces tyrosine with phenylalanine at codon 255 of the DSP protein. Computational prediction suggests that this variant may have deleterious impact on protein structure and function (internally defined REVEL score threshold >= 0.7, PMID: 27666373). To our knowledge, functional studies have not been reported for this variant. This variant has not been reported in individuals affected with DSP-related disorders in the literature. This variant has been identified in 1/31390 chromosomes in the general population by the Genome Aggregation Database (gnomAD). The available evidence is insufficient to determine the role of this variant in disease conclusively. Therefore, this variant is classified as a Variant of Uncertain Significance.

This study involves interpretation of variants in research participants for the purpose of population health screening. Participant phenotype was not available at the time of variant classification. Additional details can be found in publication PMID: 35346344, PMCID: PMC8962531

Color Diagnostics, LLC DBA Color Health
Classification: Uncertain significance for Cardiomyopathy. Last evaluated: 2024-06-06. Review status: criteria provided, single submitter. Criteria: ACMG Guidelines, 2015. Collection method: clinical testing. Allele origin: germline.
Comment: This missense variant replaces tyrosine with phenylalanine at codon 255 of the DSP protein. Computational prediction suggests that this variant may have deleterious impact on protein structure and function (internally defined REVEL score threshold >= 0.7, PMID: 27666373). To our knowledge, functional studies have not been reported for this variant. This variant has not been reported in individuals affected with DSP-related disorders in the literature. This variant has been identified in 1/31390 chromosomes in the general population by the Genome Aggregation Database (gnomAD). The available evidence is insufficient to determine the role of this variant in disease conclusively. Therefore, this variant is classified as a Variant of Uncertain Significance.

Ambry Genetics
Classification: Uncertain significance for Cardiovascular phenotype. Last evaluated: 2024-01-26. Review status: criteria provided, single submitter. Criteria: Ambry Variant Classification Scheme 2023. Collection method: clinical testing. Allele origin: germline.
Comment: The p.Y255F variant (also known as c.764A>T), located in coding exon 6 of the DSP gene, results from an A to T substitution at nucleotide position 764. The tyrosine at codon 255 is replaced by phenylalanine, an amino acid with highly similar properties. This alteration has been reported in a hypertrophic cardiomyopathy (HCM) cohort; however, clinical details were limited (Lopes LR et al. Heart, 2015 Feb;101:294-301). This amino acid position is highly conserved in available vertebrate species. In addition, the in silico prediction for this alteration is inconclusive. Based on the available evidence, the clinical significance of this alteration remains unclear.

AiLife Diagnostics
Classification: Uncertain significance. Last evaluated: 2022-01-05. Review status: criteria provided, single submitter. Criteria: ACMG Guidelines, 2015. Collection method: clinical testing. Allele origin: germline. Affected: yes. Observed: 1 variant allele.

Literature cited by the submitters: PubMed 25351510 (cited by Ambry Genetics).